The following is an entry in ClinVar:

ClinVar aggregate classification (germline): Conflicting classifications of pathogenicity. Review status: criteria provided, conflicting classifications (1 of 4 stars). 3 submissions from 3 submitters: Uncertain significance (1); Likely benign (1). 1 of the submissions does not count toward it. Last evaluated 2024-01-08.

Conditions:
PCNT-related disorder. Also called: PCNT-related condition.
Microcephalic osteodysplastic primordial dwarfism type II (MOPD2). Also called: Microcephalic osteodysplastic primordial dwarfism with tooth abnormalities; MOPD II; OSTEODYSPLASTIC PRIMORDIAL DWARFISM, TYPE II. Identifiers: Orphanet 2637, MedGen C0432246, MONDO:0008872, OMIM 210720.

Allele frequency attached by ClinVar (database versions not stated): gnomAD 0.00001; gnomAD exomes 0.00003 and 0.00004; TOPMed 0.00003; ExAC 0.00004.
gnomAD v4.1: 47 of 1,605,042 alleles (0.0029%); highest among the groups gnomAD compares: Middle Eastern, 0.019%; no homozygotes.

Submissions (3):

Labcorp Genetics (formerly Invitae), Labcorp
Classification: Likely benign. Last evaluated: 2024-01-08. Review status: criteria provided, single submitter. Criteria: Invitae Variant Classification Sherloc (09022015). Collection method: clinical testing. Allele origin: germline.

Illumina Laboratory Services, Illumina
Classification: Uncertain significance for Microcephalic osteodysplastic primordial dwarfism type II. Last evaluated: 2018-01-15. Review status: criteria provided, single submitter. Criteria: ICSL Variant Classification Criteria 13 December 2019. Collection method: clinical testing. Allele origin: germline.

PreventionGenetics, part of Exact Sciences
Classification: Likely benign for PCNT-related condition. Last evaluated: 2022-07-14. Review status: no assertion criteria provided. Collection method: clinical testing. Allele origin: germline. Not counted in ClinVar's aggregate classification.
Comment: This variant is classified as likely benign based on ACMG/AMP sequence variant interpretation guidelines (Richards et al. 2015 PMID: 25741868, with internal and published modifications).

NM_006031.6(PCNT):c.5919C>T (p.Gly1973=)

Gene: PCNT (pericentrin; plus strand). Cytogenetic location: 21q22.3.
Variant type: single nucleotide variant.
Coding change: c.5919C>T on transcript NM_006031.6 (MANE Select); coding-DNA position 5919, C replaced by T.
Protein change: p.Gly1973=; no amino-acid change (glycine 1973 retained).
Molecular consequence: synonymous variant.
Genome position (GRCh38, 1-based): chr21:46,411,992, C>T. VCF-style: chr21-46411992-C-T. GRCh37 (hg19) VCF-style: chr21-47831906-C-T.
Other names: c.5565C>T, p.Gly1855= (NM_001315529.2).
Identifiers: ClinVar variation 895683 (VCV000895683.13), dbSNP rs752349556, ClinGen allele CA10080121.